The following is an entry in ClinVar:

ClinVar aggregate classification (germline): Uncertain significance (1 of 4 stars; one submission).

Conditions:
Norman-Roberts syndrome (LIS2). Also called: Lissencephaly 2 (Norman-Roberts type). Identifiers: Orphanet 89844, MedGen C0796089, MONDO:0009760, OMIM 257320.
Familial temporal lobe epilepsy 7. Identifiers: Orphanet 101046, MedGen C4225327, MONDO:0014639, OMIM 616436.

Submission:

Labcorp Genetics (formerly Invitae), Labcorp
Classification: Uncertain significance for Familial temporal lobe epilepsy 7; Norman-Roberts syndrome. Last evaluated: 2022-12-15. Review status: criteria provided, single submitter. Criteria: Invitae Variant Classification Sherloc (09022015). Collection method: clinical testing. Allele origin: germline.
Comment: This sequence change replaces threonine, which is neutral and polar, with alanine, which is neutral and non-polar, at codon 152 of the RELN protein (p.Thr152Ala). This variant is not present in population databases (gnomAD no frequency). This variant has not been reported in the literature in individuals affected with RELN-related conditions. Advanced modeling of protein sequence and biophysical properties (such as structural, functional, and spatial information, amino acid conservation, physicochemical variation, residue mobility, and thermodynamic stability) performed at Invitae indicates that this missense variant is not expected to disrupt RELN protein function. In summary, the available evidence is currently insufficient to determine the role of this variant in disease. Therefore, it has been classified as a Variant of Uncertain Significance.

NM_005045.4(RELN):c.454A>G (p.Thr152Ala)

Gene: RELN (reelin; minus strand). Cytogenetic location: 7q22.1.
Variant type: single nucleotide variant.
Coding change: c.454A>G on transcript NM_005045.4 (MANE Select); coding-DNA position 454, A replaced by G.
Protein change: p.Thr152Ala; replaces threonine 152 with alanine.
Molecular consequence: missense variant.
Genome position (GRCh38, 1-based): chr7:103,833,556, T>C on the plus strand (A>G on the coding strand, the complement: RELN is on the minus strand). VCF-style: chr7-103833556-T-C. GRCh37 (hg19) VCF-style: chr7-103474003-T-C.
Other names: c.454A>G, p.Thr152Ala (NM_173054.3); short protein forms T152A.
Identifiers: ClinVar variation 2941802 (VCV002941802.3), dbSNP rs2485205930, ClinGen allele CA368930689.